The following is an entry in ClinVar:

NM_000062.3(SERPING1):c.723dup (p.Thr242fs)

Gene: SERPING1 (serpin family G member 1; plus strand). Cytogenetic location: 11q12.1.
Variant type: Duplication.
Coding change: c.723dup on transcript NM_000062.3 (MANE Select); coding-DNA position 723, one base duplicated (G; older notation c.723dupG).
Protein change: p.Thr242fs; shifts the reading frame from threonine 242.
Molecular consequence: frameshift variant.
Genome position (GRCh38, 1-based): chr11:57,606,047, G duplicated; the last of 2 consecutive G bases (chr11:57,606,046-57,606,047); duplicating either gives the same sequence. VCF-style (leftmost placement, unchanged base first): chr11-57606045-C-CG. GRCh37 (hg19) VCF-style: chr11-57373518-C-CG.
Other names: c.723dup, p.Thr242fs (NM_001032295.2); short protein forms T242fs.
Identifiers: ClinVar variation 3336807 (VCV003336807.2).

ClinVar aggregate classification (germline): Pathogenic (1 of 4 stars; one submission).

Conditions:
Hereditary angioedema type 1 (HAE1). Identifiers: Orphanet 100050, Orphanet 100051, Orphanet 91378, MedGen C2717906, MONDO:0015053, OMIM 106100.

Submission:

DNA-diagnostics Laboratory, Research Centre For Medical Genetics
Classification: Pathogenic for Hereditary angioedema type 1. Last evaluated: 2024-08-11. Review status: criteria provided, single submitter. Criteria: ACMG Guidelines, 2015. Collection method: research. Allele origin: germline. Inheritance: Autosomal dominant inheritance. Affected: yes. Observed: 1 heterozygote.
Comment: The pathogenic or likely pathogenic SERPING1 gene variants are detected in >90% of the HAE1/2 families and in >80% of the total HAE families (e.g., DOI: 10.1016/j.molimm.2008.05.007, 10.1159/2F000138883, 10.1016/j.molimm.2011.07.010). In summary, the c.723dup variant in SERPING1 meets ACMG/ClinGen SVI guidance criteria to be classified as pathogenic: PVS1, PP4_Mod, PM2_Sup